The following is an entry in ClinVar:

ClinVar aggregate classification (germline): Conflicting classifications of pathogenicity. Review status: criteria provided, conflicting classifications (1 of 4 stars). 3 submissions from 3 submitters: Uncertain significance (2); Likely benign (1). Last evaluated 2025-09-15.

Conditions:
Autoimmune lymphoproliferative syndrome type 1. Also called: AUTOIMMUNE LYMPHOPROLIFERATIVE SYNDROME, TYPE I, AUTOSOMAL DOMINANT. Identifiers: Orphanet 3261, MedGen C2717884, MONDO:0011158, OMIM 601859.

Allele frequency attached by ClinVar (database versions not stated): TOPMed below 0.00001; ExAC 0.00001; gnomAD 0.00001; gnomAD exomes 0.00001.
gnomAD v4.1: 9 of 1,613,820 alleles (0.00056%); highest among the groups gnomAD compares: Admixed American, 0.0033%; no homozygotes.

Submissions (3):

Labcorp Genetics (formerly Invitae), Labcorp
Classification: Uncertain significance for Autoimmune lymphoproliferative syndrome. Last evaluated: 2025-09-15. Review status: criteria provided, single submitter. Criteria: Invitae Variant Classification Sherloc (09022015). Collection method: clinical testing. Allele origin: germline.
Comment: This sequence change replaces proline, which is neutral and non-polar, with serine, which is neutral and polar, at codon 138 of the FASLG protein (p.Pro138Ser). This variant is present in population databases (rs756917304, gnomAD 0.003%). This variant has not been reported in the literature in individuals affected with FASLG-related conditions. ClinVar contains an entry for this variant (Variation ID: 875184). Invitae Evidence Modeling of protein sequence and biophysical properties (such as structural, functional, and spatial information, amino acid conservation, physicochemical variation, residue mobility, and thermodynamic stability) indicates that this missense variant is not expected to disrupt FASLG protein function with a negative predictive value of 80%. In summary, the available evidence is currently insufficient to determine the role of this variant in disease. Therefore, it has been classified as a Variant of Uncertain Significance.

Blueprint Genetics
Classification: Likely benign. Last evaluated: 2021-04-15. Review status: criteria provided, single submitter. Criteria: ACMG Guidelines, 2015. Collection method: clinical testing. Allele origin: germline.

Illumina Laboratory Services, Illumina
Classification: Uncertain significance for Autoimmune lymphoproliferative syndrome type 1. Last evaluated: 2018-01-13. Review status: criteria provided, single submitter. Criteria: ICSL Variant Classification Criteria 13 December 2019. Collection method: clinical testing. Allele origin: germline.

NM_000639.3(FASLG):c.412C>T (p.Pro138Ser)

Gene: FASLG (Fas ligand; plus strand). Cytogenetic location: 1q24.3.
Variant type: single nucleotide variant.
Coding change: c.412C>T on transcript NM_000639.3 (MANE Select); coding-DNA position 412, C replaced by T.
Protein change: p.Pro138Ser; replaces proline 138 with serine.
Molecular consequence: missense variant. On other transcripts: synonymous variant (1).
Genome position (GRCh38, 1-based): chr1:172,664,351, C>T. VCF-style: chr1-172664351-C-T. GRCh37 (hg19) VCF-style: chr1-172633491-C-T.
Other names: c.366C>T, p.Pro122= (NM_001302746.2); short protein forms P138S.
Identifiers: ClinVar variation 875184 (VCV000875184.7), dbSNP rs756917304, ClinGen allele CA1247560.